The following is an entry in ClinVar:

NM_206933.4(USH2A):c.13500C>T (p.Thr4500=)

Gene: USH2A (usherin; minus strand). Cytogenetic location: 1q41.
Variant type: single nucleotide variant.
Coding change: c.13500C>T on transcript NM_206933.4 (MANE Select); coding-DNA position 13500, C replaced by T.
Protein change: p.Thr4500=; no amino-acid change (threonine 4500 retained).
Molecular consequence: synonymous variant.
Genome position (GRCh38, 1-based): chr1:215,674,411, G>A on the plus strand (C>T on the coding strand, the complement: USH2A is on the minus strand). VCF-style: chr1-215674411-G-A. GRCh37 (hg19) VCF-style: chr1-215847753-G-A.
Other names: c.13500C>T (NM_206933.2).
Identifiers: ClinVar variation 2777457 (VCV002777457.4), dbSNP rs1657927837, ClinGen allele CA423427333.

ClinVar aggregate classification (germline): Likely benign. Review status: criteria provided, single submitter (1 of 4 stars). 2 submissions from 2 submitters: Likely benign (1). 1 of the submissions does not count toward it. Last evaluated 2023-12-01.

Conditions:
USH2A-related disorder. Also called: USH2A-related condition; USH2A-related disorders. Identifiers: MedGen CN239332.

gnomAD v4.1: 7 of 1,614,066 alleles (0.00043%); highest among the groups gnomAD compares: Non-Finnish European, 0.00059%; no homozygotes.

Submissions (2):

Labcorp Genetics (formerly Invitae), Labcorp
Classification: Likely benign. Last evaluated: 2023-12-01. Review status: criteria provided, single submitter. Criteria: Invitae Variant Classification Sherloc (09022015). Collection method: clinical testing. Allele origin: germline.

PreventionGenetics, part of Exact Sciences
Classification: Likely benign for USH2A-related condition. Last evaluated: 2019-08-07. Review status: no assertion criteria provided. Collection method: clinical testing. Allele origin: germline. Not counted in ClinVar's aggregate classification.
Comment: This variant is classified as likely benign based on ACMG/AMP sequence variant interpretation guidelines (Richards et al. 2015 PMID: 25741868, with internal and published modifications).